The following is an entry in ClinVar:

ClinVar aggregate classification (germline): Uncertain significance (1 of 4 stars; one submission).

Conditions:
Hereditary cancer-predisposing syndrome. Also called: Neoplastic Syndromes, Hereditary; Tumor predisposition; Hereditary Cancer Syndrome; Hereditary neoplastic syndrome. Identifiers: Orphanet 140162, MedGen C0027672, MeSH D009386, MONDO:0015356.

Submission:

Ambry Genetics
Classification: Uncertain significance for Hereditary cancer-predisposing syndrome. Last evaluated: 2026-03-23. Review status: criteria provided, single submitter. Criteria: Ambry Variant Classification Scheme 2023. Collection method: clinical testing. Allele origin: germline.
Comment: The p.F229V variant (also known as c.685T>G), located in coding exon 6 of the NBN gene, results from a T to G substitution at nucleotide position 685. The phenylalanine at codon 229 is replaced by valine, an amino acid with highly similar properties. This amino acid position is conserved. In addition, this alteration is predicted to be deleterious by in silico analysis. Based on the available evidence, the clinical significance of this variant remains unclear.

NM_002485.5(NBN):c.685T>G (p.Phe229Val)

Gene: NBN (nibrin; minus strand). Cytogenetic location: 8q21.3.
Variant type: single nucleotide variant.
Coding change: c.685T>G on transcript NM_002485.5 (MANE Select); coding-DNA position 685, T replaced by G.
Protein change: p.Phe229Val; replaces phenylalanine 229 with valine.
Molecular consequence: missense variant.
Genome position (GRCh38, 1-based): chr8:89,971,190, A>C on the plus strand (T>G on the coding strand, the complement: NBN is on the minus strand). VCF-style: chr8-89971190-A-C. GRCh37 (hg19) VCF-style: chr8-90983418-A-C.
Other names: c.439T>G, p.Phe147Val (NM_001024688.3, NM_001440379.1, NM_001440380.1); short protein forms F147V, F229V.
Identifiers: ClinVar variation 4860749 (VCV004860749.1).